The following is an entry in ClinVar:

ClinVar aggregate classification (germline): Pathogenic (1 of 4 stars; one submission).

Submission:

GeneDx
Classification: Pathogenic. Last evaluated: 2014-01-10. Review status: criteria provided, single submitter. Criteria: GeneDx Variant Classification (06012015). Collection method: clinical testing. Allele origin: germline. Affected: yes.
Comment: c.2339_2340insTAT: p.Leu780delinsPheIle (L780delinsFI) in exon 13 of the SCN1A gene (NM_001165963.1). The sequence with the bases that are inserted in braces is: TCTT{TAT}AAAT.The c.2339_2340insTAT variant has not been published as a mutation, nor has it been reported as a benign polymorphism to our knowledge. It results in the insertion of three nucleotides, leading to the deletion of a highly conserved Leucine residue at position 780 and the in-frame insertion of a Phenylalanine residue and an Isoleucine residue, denoted p.Leu780delinsPheIle. This variant occurs in a conserved region of the S1 segment of the second transmembrane domain of the protein, and other mutations in this region of the protein have been reported in association with SCN1A-related disorders in an external mutation database. Therefore, based on the currently available information, c.2339_2340insTAT is a strong candidate for a disease-causing mutation. This variant has been observed de novo without verified parentage. The variant is found in INFANT-EPI panel(s).

NM_001165963.4(SCN1A):c.2339_2340insTAT (p.Leu780delinsPheIle)

Gene: SCN1A (sodium voltage-gated channel alpha subunit 1; minus strand). Cytogenetic location: 2q24.3.
Variant type: Insertion.
Coding change: c.2339_2340insTAT on transcript NM_001165963.4 (MANE Select); coding-DNA positions 2339 to 2340, TAT inserted.
Protein change: p.Leu780delinsPheIle.
Molecular consequence: inframe indel. On other transcripts: 5 prime UTR variant (1), non-coding transcript variant (1).
Genome position: GRCh38 VCF-style: chr2-166041306-T-TATA. GRCh37 (hg19) VCF-style: chr2-166897816-T-TATA.
Other names: c.2255_2256insTAT, p.Leu752delinsPheIle (NM_001165964.3, NM_001353957.2, NM_001353958.2); c.2339_2340insTAT, p.Leu780delinsPheIle (NM_001202435.3, NM_001353948.2); c.2306_2307insTAT, p.Leu769delinsPheIle (NM_001353949.2, NM_001353950.2, NM_001353951.2 and 2 more transcripts); c.2303_2304insTAT, p.Leu768delinsPheIle (NM_001353954.2, NM_001353955.2); c.2252_2253insTAT, p.Leu751delinsPheIle (NM_001353960.2); c.-120_-119insTAT (NM_001353961.2).
Identifiers: ClinVar variation 206904 (VCV000206904.1), dbSNP rs796053066, ClinGen allele CA317716.